The following is an entry in ClinVar:

NM_000238.4(KCNH2):c.84del (p.Lys28fs)

Gene: KCNH2 (potassium voltage-gated channel subfamily H member 2; minus strand). Cytogenetic location: 7q36.1.
Variant type: Deletion.
Coding change: c.84del on transcript NM_000238.4 (MANE Select); coding-DNA position 84, one base deleted (G; older notation c.84delG).
Protein change: p.Lys28fs; shifts the reading frame from lysine 28.
Molecular consequence: frameshift variant.
Genome position (GRCh38, 1-based): chr7:150,974,934, C deleted on the plus strand (G on the coding strand, the reverse complement: KCNH2 is on the minus strand). VCF-style (leftmost placement, unchanged base first): chr7-150974933-AC-A. GRCh37 (hg19) VCF-style: chr7-150672021-AC-A.
Other names: c.84delG, p.Lys28Asnfs (NM_000238.3, NM_172056.3); c.-94delG (NM_001406755.1); short protein forms K28fs.
Identifiers: ClinVar variation 645394 (VCV000645394.7), dbSNP rs1584883517, ClinGen allele CA915945560.

ClinVar aggregate classification (germline): Pathogenic (1 of 4 stars; one submission).

Conditions:
Long QT syndrome (LQTS). Identifiers: MedGen C0023976, MeSH D008133, MONDO:0002442. Disease mechanism: loss of function. Inheritance: Various modes of inheritance.

Submission:

Labcorp Genetics (formerly Invitae), Labcorp
Classification: Pathogenic for Long QT syndrome. Last evaluated: 2025-06-03. Review status: criteria provided, single submitter. Criteria: Invitae Variant Classification Sherloc (09022015). Collection method: clinical testing. Allele origin: germline.
Comment: This sequence change creates a premature translational stop signal (p.Lys28Asnfs*32) in the KCNH2 gene. It is expected to result in an absent or disrupted protein product. Loss-of-function variants in KCNH2 are known to be pathogenic (PMID: 10973849, 19862833). This variant is not present in population databases (gnomAD no frequency). This variant has not been reported in the literature in individuals affected with KCNH2-related conditions. ClinVar contains an entry for this variant (Variation ID: 645394). For these reasons, this variant has been classified as Pathogenic.

Literature cited by the submitters: PubMed 10973849; PubMed 19862833.